The following is an entry in ClinVar:

NM_014920.5(CILK1):c.1151C>T (p.Ser384Leu)

Gene: CILK1 (ciliogenesis associated kinase 1; minus strand). Cytogenetic location: 6p12.1.
Variant type: single nucleotide variant.
Coding change: c.1151C>T on transcript NM_014920.5 (MANE Select); coding-DNA position 1151, C replaced by T.
Protein change: p.Ser384Leu; replaces serine 384 with leucine.
Molecular consequence: missense variant. On other transcripts: non-coding transcript variant (1).
Genome position (GRCh38, 1-based): chr6:53,013,663, G>A on the plus strand (C>T on the coding strand, the complement: CILK1 is on the minus strand). VCF-style: chr6-53013663-G-A. GRCh37 (hg19) VCF-style: chr6-52878461-G-A.
Other names: c.1151C>T, p.Ser384Leu (NM_001375397.1, NM_001375398.1, NM_001375399.1 and 4 more transcripts); c.1151C>T (NM_016513.4); short protein forms S384L.
Identifiers: ClinVar variation 1680546 (VCV001680546.4), dbSNP rs149734466, ClinGen allele CA3858622.

ClinVar aggregate classification (germline): Conflicting classifications of pathogenicity. Review status: criteria provided, conflicting classifications (1 of 4 stars). 2 submissions from 2 submitters: Uncertain significance (1); Likely benign (1). Last evaluated 2024-08-04.

Allele frequency attached by ClinVar (database versions not stated): gnomAD exomes 0.00006 and 0.00013; gnomAD 0.00007 and 0.00008; TOPMed 0.00007; ESP Exome Variant Server 0.00008; ExAC 0.00012; 1000 Genomes Project 30x 0.00016; 1000 Genomes Project 0.00020.
gnomAD v4.1: 106 of 1,614,016 alleles (0.0066%); highest among the groups gnomAD compares: Middle Eastern, 0.049%; no homozygotes.

Submissions (2):

Ambry Genetics
Classification: Likely benign. Last evaluated: 2024-08-04. Review status: criteria provided, single submitter. Criteria: Ambry Variant Classification Scheme 2023. Collection method: clinical testing. Allele origin: germline.

Labcorp Genetics (formerly Invitae), Labcorp
Classification: Uncertain significance. Last evaluated: 2022-08-16. Review status: criteria provided, single submitter. Criteria: Invitae Variant Classification Sherloc (09022015). Collection method: clinical testing. Allele origin: germline.
Comment: This sequence change replaces serine, which is neutral and polar, with leucine, which is neutral and non-polar, at codon 384 of the ICK protein (p.Ser384Leu). This variant is present in population databases (rs149734466, gnomAD 0.05%). This variant has not been reported in the literature in individuals affected with ICK-related conditions. ClinVar contains an entry for this variant (Variation ID: 1680546). Algorithms developed to predict the effect of missense changes on protein structure and function (SIFT, PolyPhen-2, Align-GVGD) all suggest that this variant is likely to be tolerated. Algorithms developed to predict the effect of sequence changes on RNA splicing suggest that this variant may disrupt the consensus splice site. In summary, the available evidence is currently insufficient to determine the role of this variant in disease. Therefore, it has been classified as a Variant of Uncertain Significance.